The following is an entry in ClinVar:

NM_003073.5(SMARCB1):c.509A>C (p.Asp170Ala)

Gene: SMARCB1 (SWI/SNF related BAF chromatin remodeling complex subunit B1; plus strand). Cytogenetic location: 22q11.23.
Variant type: single nucleotide variant.
Coding change: c.509A>C on transcript NM_003073.5 (MANE Select); coding-DNA position 509, A replaced by C.
Protein change: p.Asp170Ala; replaces aspartic acid 170 with alanine.
Molecular consequence: missense variant.
Genome position (GRCh38, 1-based): chr22:23,803,303, A>C. VCF-style: chr22-23803303-A-C. GRCh37 (hg19) VCF-style: chr22-24145490-A-C.
Other names: c.482A>C, p.Asp161Ala (NM_001007468.3); c.536A>C, p.Asp179Ala (NM_001317946.2); c.563A>C, p.Asp188Ala (NM_001362877.2); short protein forms D161A, D170A, D179A, D188A.
Identifiers: ClinVar variation 4540338 (VCV004540338.1).

ClinVar aggregate classification (germline): Uncertain significance (1 of 4 stars; one submission).

Submission:

GeneDx
Classification: Uncertain significance. Last evaluated: 2025-06-26. Review status: criteria provided, single submitter. Criteria: GeneDx Variant Classification Process June 2021. Collection method: clinical testing. Allele origin: germline. Affected: yes.
Comment: Not observed at significant frequency in large population cohorts (gnomAD); In silico analysis supports that this missense variant has a deleterious effect on protein structure/function; Has not been previously published as pathogenic or benign to our knowledge